The following is an entry in ClinVar:

ClinVar aggregate classification (germline): Uncertain significance (1 of 4 stars; one submission).

gnomAD v4.1: 1 of 1,613,980 alleles (0.000062%); highest among the groups gnomAD compares: Non-Finnish European, 0.000085%; no homozygotes.

Submission:

GeneDx
Classification: Uncertain significance. Last evaluated: 2025-01-07. Review status: criteria provided, single submitter. Criteria: GeneDx Variant Classification Process June 2021. Collection method: clinical testing. Allele origin: germline. Affected: yes.
Comment: Not observed at significant frequency in large population cohorts (gnomAD); In silico analysis indicates that this missense variant does not alter protein structure/function; Has not been previously published as pathogenic or benign to our knowledge

NM_000552.5(VWF):c.5092G>T (p.Gly1698Cys)

Gene: VWF (von Willebrand factor; minus strand). Cytogenetic location: 12p13.31.
Variant type: single nucleotide variant.
Coding change: c.5092G>T on transcript NM_000552.5 (MANE Select); coding-DNA position 5092, G replaced by T.
Protein change: p.Gly1698Cys; replaces glycine 1698 with cysteine.
Molecular consequence: missense variant.
Genome position (GRCh38, 1-based): chr12:6,016,832, C>A on the plus strand (G>T on the coding strand, the complement: VWF is on the minus strand). VCF-style: chr12-6016832-C-A. GRCh37 (hg19) VCF-style: chr12-6125998-C-A.
Other names: short protein forms G1698C.
Identifiers: ClinVar variation 4055764 (VCV004055764.1).
Genomic context (GRCh38, chr12:6,016,832, plus strand): 5'-TGAAAGCCTTGGCGAAACTCTTCATTTCATCAAAATAAGAAGCTGGGAAACTGGAGGAGC[C>A]ATCCAGGAGAAGGATCACGTCCAGGGGCTGGCTGCAGTCTGCAAAGACAACCAGGAAGGT-3'
Protein context (NP_000543.3, residues 1688-1708): QPLDVILLLD[Gly1698Cys]SSSFPASYFD